The following is an entry in ClinVar:

NM_001166114.2(PNPLA6):c.1781C>T (p.Thr594Ile)

Gene: PNPLA6 (patatin like domain 6, lysophospholipase; plus strand). Cytogenetic location: 19p13.2.
Variant type: single nucleotide variant.
Coding change: c.1781C>T on transcript NM_001166114.2 (MANE Select); coding-DNA position 1781, C replaced by T.
Protein change: p.Thr594Ile; replaces threonine 594 with isoleucine.
Molecular consequence: missense variant.
Genome position (GRCh38, 1-based): chr19:7,550,079, C>T. VCF-style: chr19-7550079-C-T. GRCh37 (hg19) VCF-style: chr19-7614965-C-T.
Other names: c.1808C>T, p.Thr603Ile (NM_001166111.2); c.1586C>T, p.Thr529Ile (NM_001166112.2); c.1664C>T, p.Thr555Ile (NM_001166113.1, NM_006702.5); short protein forms T529I, T555I, T594I, T603I.
Identifiers: ClinVar variation 3896953 (VCV003896953.1).
Genomic context (GRCh38, chr19:7,550,079, plus strand): 5'-AGCTGGCGGTGCTCACTGGCGAACCTCTCATCTTCACACTGCGAGCCCAACGCGACTGCA[C>T]CTTCCTGCGGATCTCCAAGTCCGACTTCTATGAGTATGACAGCCCGAAGTTGGAGTGTGG-3'
Protein context (NP_001159586.1, residues 584-604): IFTLRAQRDC[Thr594Ile]FLRISKSDFY

ClinVar aggregate classification (germline): Uncertain significance (1 of 4 stars; one submission).

Conditions:
Hereditary spastic paraplegia 39 (SPG39). Also called: SPASTIC PARAPLEGIA 39, AUTOSOMAL RECESSIVE; Spastic Paraplegia Type 39 (SPG39). Identifiers: Orphanet 139480, MedGen C2677586, MONDO:0012787, OMIM 612020.

Submission:

Kariminejad - Najmabadi Pathology & Genetics Center
Classification: Uncertain significance for Hereditary spastic paraplegia 39. Last evaluated: 2023-11-07. Review status: criteria provided, single submitter. Criteria: ACMG Guidelines, 2015. Collection method: clinical testing. Allele origin: germline. Inheritance: Autosomal recessive inheritance. Affected: yes.
Comment: PM2